The following is an entry in ClinVar:

NM_000393.5(COL5A2):c.2867G>A (p.Arg956Gln)

Gene: COL5A2 (collagen type V alpha 2 chain; minus strand). Cytogenetic location: 2q32.2.
Variant type: single nucleotide variant.
Coding change: c.2867G>A on transcript NM_000393.5 (MANE Select); coding-DNA position 2867, G replaced by A.
Protein change: p.Arg956Gln; replaces arginine 956 with glutamine.
Molecular consequence: missense variant.
Genome position (GRCh38, 1-based): chr2:189,051,384, C>T on the plus strand (G>A on the coding strand, the complement: COL5A2 is on the minus strand). VCF-style: chr2-189051384-C-T. GRCh37 (hg19) VCF-style: chr2-189916110-C-T.
Other names: c.2867G>A (NM_000393.4, NM_000393.3); short protein forms R956Q.
Identifiers: ClinVar variation 2042697 (VCV002042697.7), dbSNP rs6434313, ClinGen allele CA2022162.

ClinVar aggregate classification (germline): Conflicting classifications of pathogenicity. Review status: criteria provided, conflicting classifications (1 of 4 stars). 4 submissions from 4 submitters: Uncertain significance (2); Benign (1); Likely benign (1). Last evaluated 2025-11-18.

Conditions:
Ehlers-Danlos syndrome, classic type, 1 (EDSCL1). Also called: EHLERS-DANLOS SYNDROME, GRAVIS TYPE; EHLERS-DANLOS SYNDROME, SEVERE CLASSIC TYPE; Ehlers-Danlos syndrome, type 1; EDS I; Ehlers-Danlos Syndrome, Classic Type, COL5A1-Related. Identifiers: MedGen C0268335, MONDO:0019567, OMIM 130000.
COL5A2-related disorder. Also called: COL5A2-related condition.
Familial thoracic aortic aneurysm and aortic dissection (TAAD). Also called: Thoracic aortic aneurysms and dissections. Identifiers: Orphanet 91387, MedGen C4707243, MONDO:0019625.
Ehlers-Danlos syndrome, classic type, 2 (EDSCL2). Also called: Ehlers-Danlos syndrome, type 2; Ehlers-Danlos syndrome type 2 (formerly); Ehlers-Danlos Syndrome, Classic Type, COL5A2-Related. Identifiers: Orphanet 287, Orphanet 90318, MedGen C0268336, MONDO:0019568, OMIM 130010.

Allele frequency attached by ClinVar (database versions not stated): 1000 Genomes Project 30x 0.00016.
gnomAD v4.1: 15 of 1,614,048 alleles (0.00093%); highest among the groups gnomAD compares: Admixed American, 0.0067%; no homozygotes.

Submissions (4):

Labcorp Genetics (formerly Invitae), Labcorp
Classification: Benign for Ehlers-Danlos syndrome, classic type, 1. Last evaluated: 2025-11-18. Review status: criteria provided, single submitter. Criteria: Invitae Variant Classification Sherloc (09022015). Collection method: clinical testing. Allele origin: germline.

ARUP Laboratories, Molecular Genetics and Genomics, ARUP Laboratories
Classification: Likely benign for Ehlers-Danlos syndrome, classic type, 2. Last evaluated: 2023-11-10. Review status: criteria provided, single submitter. Criteria: ARUP Molecular Germline Variant Investigation Process 2024. Collection method: clinical testing. Allele origin: germline.

Ambry Genetics
Classification: Uncertain significance for Familial thoracic aortic aneurysm and aortic dissection. Last evaluated: 2023-02-01. Review status: criteria provided, single submitter. Criteria: Ambry Variant Classification Scheme 2023. Collection method: clinical testing. Allele origin: germline.
Comment: The p.R956Q variant (also known as c.2867G>A), located in coding exon 42 of the COL5A2 gene, results from a G to A substitution at nucleotide position 2867. The arginine at codon 956 is replaced by glutamine, an amino acid with highly similar properties. This amino acid position is well conserved in available vertebrate species. In addition, the in silico prediction for this alteration is inconclusive. Since supporting evidence is limited at this time, the clinical significance of this alteration remains unclear.

PreventionGenetics, part of Exact Sciences
Classification: Uncertain significance for COL5A2-related condition. Last evaluated: 2023-01-25. Review status: criteria provided, single submitter. Criteria: ACMG Guidelines, 2015. Collection method: clinical testing. Allele origin: germline.
Comment: The COL5A2 c.2867G>A variant is predicted to result in the amino acid substitution p.Arg956Gln. To our knowledge, this variant has not been reported in the literature. This variant is reported in 0.012% of alleles in individuals of African descent in gnomAD. Although we suspect that this variant may be benign, at this time, the clinical significance of this variant is uncertain due to the absence of conclusive functional and genetic evidence.